The following is an entry in ClinVar:

NC_000003.11:g.(132438675_132440806)_132441126del

Gene: NPHP3 (nephrocystin 3; minus strand). Cytogenetic location: 3q22.1.
Variant type: Deletion.
Identifiers: ClinVar variation 2429313 (VCV002429313.4).

ClinVar aggregate classification (germline): Likely pathogenic (1 of 4 stars; one submission).

Conditions:
Joubert syndrome and related disorders. Identifiers: Orphanet 140874, MedGen C5679612, MONDO:0015369.

Submission:

Women's Health and Genetics/Laboratory Corporation of America, LabCorp
Classification: Likely pathogenic for Joubert syndrome and related disorders. Last evaluated: 2023-01-18. Review status: criteria provided, single submitter. Criteria: LabCorp Variant Classification Summary - May 2015. Collection method: clinical testing. Allele origin: germline.
Comment: Variant summary: The variant identified by MLPA or other technology involves the deletion of part of exon 1 after codon 25 in the NPHP3 gene. A presumed nomenclature of c.74_(393+1_394-1)del has been designated for the purposes of this classification. Although exact breakpoints of this deletion are not known, it is expected to result in a frameshift in the NPHP3 gene, a known mechanism of disease. The frequency of this variant in the general population could not be determined as the technology used for large population databases (ExAC, gnomAD, ESP, 1000G) cannot detect variants of this type. To our knowledge, no occurrence of c.74_(393+1_394-1)del in individuals affected with Joubert Syndrome And Related Disorders and no experimental evidence demonstrating its impact on protein function have been reported. No clinical diagnostic laboratories have submitted clinical-significance assessments for this variant to ClinVar after 2014. Based on the evidence outlined above, the variant was classified as likely pathogenic.